The following is an entry in ClinVar:

NM_001243226.3(TCF4):c.287-1187dup

Gene: TCF4 (transcription factor 4; minus strand). Cytogenetic location: 18q21.2.
Variant type: Duplication.
Coding change: c.287-1187dup on transcript NM_001243226.3; 1187 bases into the intron before coding-DNA position 287, one base duplicated (C; older notation c.287-1187dupC).
Molecular consequence: intron variant.
Genome position (GRCh38, 1-based): chr18:55,588,323, G duplicated on the plus strand (C on the coding strand, the reverse complement: TCF4 is on the minus strand); the first of 7 consecutive G bases (chr18:55,588,323-55,588,329); duplicating any one gives the same sequence. VCF-style (leftmost placement, unchanged base first): chr18-55588322-T-TG. GRCh37 (hg19) VCF-style: chr18-53255553-T-TG.
Other names: c.-1+974dup (NM_001369584.1, NM_001369576.1, NM_001369577.1 and 3 more transcripts); c.-21+974dup (NM_001369571.1, NM_001369567.1, NM_001243228.2); c.66+147dup (NM_001243230.2); c.-21+147dup (NM_001369569.1, NM_001369572.1, NM_001369568.1).
Identifiers: ClinVar variation 2648738 (VCV002648738.22), dbSNP rs1178491278, ClinGen allele CA630187391.

ClinVar aggregate classification (germline): Benign (1 of 4 stars; one submission).

Submission:

CeGaT Center for Human Genetics Tuebingen
Classification: Benign. Last evaluated: 2022-04-01. Review status: criteria provided, single submitter. Criteria: CeGaT Center For Human Genetics Tuebingen Variant Classification Criteria Version 2. Collection method: clinical testing. Allele origin: germline. Affected: yes. Observed: 2 variant alleles.
Comment: TCF4: BS1, BS2